The following is an entry in ClinVar:

ClinVar aggregate classification (germline): Uncertain significance (1 of 4 stars; one submission).

Allele frequency attached by ClinVar (database versions not stated): gnomAD exomes below 0.00001.

Submission:

Labcorp Genetics (formerly Invitae), Labcorp
Classification: Uncertain significance. Last evaluated: 2022-03-04. Review status: criteria provided, single submitter. Criteria: Invitae Variant Classification Sherloc (09022015). Collection method: clinical testing. Allele origin: germline.
Comment: In summary, the available evidence is currently insufficient to determine the role of this variant in disease. Therefore, it has been classified as a Variant of Uncertain Significance. Algorithms developed to predict the effect of sequence changes on RNA splicing suggest that this variant may create or strengthen a splice site. Algorithms developed to predict the effect of missense changes on protein structure and function (SIFT, PolyPhen-2, Align-GVGD) all suggest that this variant is likely to be tolerated. This variant has not been reported in the literature in individuals affected with GATA3-related conditions. This variant is not present in population databases (gnomAD no frequency). This sequence change replaces glutamine, which is neutral and polar, with histidine, which is basic and polar, at codon 73 of the GATA3 protein (p.Gln73His).

NM_001002295.2(GATA3):c.219G>C (p.Gln73His)

Genes: GATA3 (GATA binding protein 3; plus strand), LOC130003278 (ATAC-STARR-seq lymphoblastoid silent region 2118; plus strand). Cytogenetic location: 10p14.
Variant type: single nucleotide variant.
Coding change: c.219G>C on transcript NM_001002295.2 (MANE Select); coding-DNA position 219, G replaced by C.
Protein change: p.Gln73His; replaces glutamine 73 with histidine.
Molecular consequence: missense variant.
Genome position (GRCh38, 1-based): chr10:8,055,874, G>C. VCF-style: chr10-8055874-G-C. GRCh37 (hg19) VCF-style: chr10-8097837-G-C.
Other names: c.219G>C, p.Gln73His (NM_002051.3); short protein forms Q73H.
Identifiers: ClinVar variation 1468835 (VCV001468835.6), dbSNP rs2131483172, ClinGen allele CA375965584.